The following is an entry in ClinVar:

ClinVar aggregate classification (germline): Uncertain significance (1 of 4 stars; one submission).

Allele frequency attached by ClinVar (database versions not stated): gnomAD exomes below 0.00001.

Submission:

Labcorp Genetics (formerly Invitae), Labcorp
Classification: Uncertain significance. Last evaluated: 2022-06-28. Review status: criteria provided, single submitter. Criteria: Invitae Variant Classification Sherloc (09022015). Collection method: clinical testing. Allele origin: germline.
Comment: This sequence change replaces threonine, which is neutral and polar, with asparagine, which is neutral and polar, at codon 481 of the KRT83 protein (p.Thr481Asn). In summary, the available evidence is currently insufficient to determine the role of this variant in disease. Therefore, it has been classified as a Variant of Uncertain Significance. Algorithms developed to predict the effect of missense changes on protein structure and function (SIFT, PolyPhen-2, Align-GVGD) all suggest that this variant is likely to be tolerated. This variant has not been reported in the literature in individuals affected with KRT83-related conditions. This variant is not present in population databases (gnomAD no frequency).

NM_002282.3(KRT83):c.1442C>A (p.Thr481Asn)

Gene: KRT83 (keratin 83; minus strand). Cytogenetic location: 12q13.13.
Variant type: single nucleotide variant.
Coding change: c.1442C>A on transcript NM_002282.3 (MANE Select); coding-DNA position 1442, C replaced by A.
Protein change: p.Thr481Asn; replaces threonine 481 with asparagine.
Molecular consequence: missense variant.
Genome position (GRCh38, 1-based): chr12:52,314,671, G>T on the plus strand (C>A on the coding strand, the complement: KRT83 is on the minus strand). VCF-style: chr12-52314671-G-T. GRCh37 (hg19) VCF-style: chr12-52708455-G-T.
Other names: short protein forms T481N.
Identifiers: ClinVar variation 2000441 (VCV002000441.4), dbSNP rs1336528089, ClinGen allele CA384919848.